The following is an entry in ClinVar:

NM_000051.4(ATM):c.7584G>A (p.Gly2528=)

Genes: ATM (ATM serine/threonine kinase; plus strand), C11orf65 (chromosome 11 open reading frame 65; minus strand). Cytogenetic location: 11q22.3.
Variant type: single nucleotide variant.
Coding change: c.7584G>A on transcript NM_000051.4 (MANE Select); coding-DNA position 7584, G replaced by A.
Protein change: p.Gly2528=; no amino-acid change (glycine 2528 retained).
Molecular consequence: synonymous variant. On other transcripts: non-coding transcript variant (1), intron variant (2).
Genome position (GRCh38, 1-based): chr11:108,331,512, G>A. VCF-style: chr11-108331512-G-A. GRCh37 (hg19) VCF-style: chr11-108202239-G-A.
Other names: c.7584G>A, p.Gly2528= (NM_001351834.2); c.641-22441C>T (NM_001330368.2); c.*38+3708C>T (NM_001351110.2).
Identifiers: ClinVar variation 3253792 (VCV003253792.1), dbSNP rs2136495762.

ClinVar aggregate classification (germline): Benign (1 of 4 stars; one submission).

Conditions:
Familial cancer of breast. Also called: hereditary breast carcinoma; BREAST CANCER, FAMILIAL; Hereditary breast cancer. Identifiers: Orphanet 227535, MedGen C0346153, MONDO:0016419, OMIM 114480. Disease mechanism: loss of function.

Submission:

Myriad Genetics, Inc.
Classification: Benign for Familial cancer of breast. Last evaluated: 2024-06-14. Review status: criteria provided, single submitter. Criteria: Myriad Autosomal Dominant, Autosomal Recessive and X-Linked Classification Criteria (2023). Collection method: clinical testing. Allele origin: unknown.
Comment: This variant is considered benign. This variant is a silent/synonymous amino acid change and it is not expected to impact splicing.